The following is an entry in ClinVar:

NM_173849.3(GSC):c.223G>C (p.Gly75Arg)

Gene: GSC (goosecoid homeobox; minus strand). Cytogenetic location: 14q32.13.
Variant type: single nucleotide variant.
Coding change: c.223G>C on transcript NM_173849.3 (MANE Select); coding-DNA position 223, G replaced by C.
Protein change: p.Gly75Arg; replaces glycine 75 with arginine.
Molecular consequence: missense variant.
Genome position (GRCh38, 1-based): chr14:94,769,793, C>G on the plus strand (G>C on the coding strand, the complement: GSC is on the minus strand). VCF-style: chr14-94769793-C-G. GRCh37 (hg19) VCF-style: chr14-95236130-C-G.
Other names: short protein forms G75R.
Identifiers: ClinVar variation 2891168 (VCV002891168.1), dbSNP rs761600442, ClinGen allele CA7330534.

ClinVar aggregate classification (germline): Uncertain significance (1 of 4 stars; one submission).

Allele frequency attached by ClinVar (database versions not stated): gnomAD 0.00007; TOPMed 0.00007.
gnomAD v4.1: 149 of 1,421,770 alleles (0.01%); highest among the groups gnomAD compares: Non-Finnish European, 0.012%; no homozygotes.

Submission:

Labcorp Genetics (formerly Invitae), Labcorp
Classification: Uncertain significance. Last evaluated: 2023-02-14. Review status: criteria provided, single submitter. Criteria: Invitae Variant Classification Sherloc (09022015). Collection method: clinical testing. Allele origin: germline.
Comment: This sequence change replaces glycine, which is neutral and non-polar, with arginine, which is basic and polar, at codon 75 of the GSC protein (p.Gly75Arg). This variant is present in population databases (rs761600442, gnomAD 0.04%). This variant has not been reported in the literature in individuals affected with GSC-related conditions. Algorithms developed to predict the effect of missense changes on protein structure and function are either unavailable or do not agree on the potential impact of this missense change (SIFT: "Deleterious"; PolyPhen-2: "Benign"; Align-GVGD: "Class C0"). In summary, the available evidence is currently insufficient to determine the role of this variant in disease. Therefore, it has been classified as a Variant of Uncertain Significance.